The following is an entry in ClinVar:

ClinVar aggregate classification (germline): Uncertain significance (1 of 4 stars; one submission).

Conditions:
Ehlers-Danlos syndrome, classic type, 1 (EDSCL1). Also called: EHLERS-DANLOS SYNDROME, GRAVIS TYPE; EHLERS-DANLOS SYNDROME, SEVERE CLASSIC TYPE; EDS I; Ehlers-Danlos Syndrome, Classic Type, COL5A1-Related; Ehlers-Danlos syndrome, type 1. Identifiers: MedGen C0268335, MONDO:0019567, OMIM 130000.

Submission:

Labcorp Genetics (formerly Invitae), Labcorp
Classification: Uncertain significance for Ehlers-Danlos syndrome, classic type, 1. Last evaluated: 2025-07-20. Review status: criteria provided, single submitter. Criteria: Invitae Variant Classification Sherloc (09022015). Collection method: clinical testing. Allele origin: germline.
Comment: This sequence change replaces glycine, which is neutral and non-polar, with serine, which is neutral and polar, at codon 1552 of the COL5A1 protein (p.Gly1552Ser). This variant is not present in population databases (gnomAD no frequency). This variant has not been reported in the literature in individuals affected with COL5A1-related conditions. ClinVar contains an entry for this variant (Variation ID: 459701). Invitae Evidence Modeling of protein sequence and biophysical properties (such as structural, functional, and spatial information, amino acid conservation, physicochemical variation, residue mobility, and thermodynamic stability) has been performed for this missense variant. However, the output from this modeling did not meet the statistical confidence thresholds required to predict the impact of this variant on COL5A1 protein function. This variant disrupts the triple helix domain of COL5A1. Glycine residues within the Gly-Xaa-Yaa repeats of the triple helix domain are required for the structure and stability of fibrillar collagens (PMID: 7695699, 8218237, 19344236), and variants at these glycine residues in COL5A1 are more frequently observed in individuals with disease than in the general population (PMID: 22696272, 23587214). However, the clinical significance of this observation remains uncertain since only a limited number of affected individuals have been described to date. In summary, the available evidence is currently insufficient to determine the role of this variant in disease. Therefore, it has been classified as a Variant of Uncertain Significance.

Literature cited by the submitters: PubMed 7695699; PubMed 8218237; PubMed 19344236; PubMed 22696272; PubMed 23587214.

NM_000093.5(COL5A1):c.4654G>A (p.Gly1552Ser)

Genes: COL5A1 (collagen type V alpha 1 chain; plus strand), LOC101448202 (uncharacterized LOC101448202; minus strand). Cytogenetic location: 9q34.3.
Variant type: single nucleotide variant.
Coding change: c.4654G>A on transcript NM_000093.5 (MANE Select); coding-DNA position 4654, G replaced by A.
Protein change: p.Gly1552Ser; replaces glycine 1552 with serine.
Molecular consequence: missense variant.
Genome position (GRCh38, 1-based): chr9:134,823,425, G>A. VCF-style: chr9-134823425-G-A. GRCh37 (hg19) VCF-style: chr9-137715271-G-A.
Other names: c.4654G>A, p.Gly1552Ser (NM_001278074.1); short protein forms G1552S.
Identifiers: ClinVar variation 459701 (VCV000459701.10), dbSNP rs1554807811, ClinGen allele CA375458170.
Genomic context (GRCh38, chr9:134,823,425, plus strand): 5'-AGTCCCCTCATACCTCTGTGACCAAGGGTTGATTCTTTTCTTTCTCCCCAGGGTCCAACT[G>A]GCCCGAAGGGTGAGGCAGGCCACCCAGGACCCCCAGGCCCCCCGGTAAGTAGCCCTTGAA-3'
Protein context (NP_000084.3, residues 1542-1562): KGAKGSSGPT[Gly1552Ser]PKGEAGHPGP